The following is an entry in ClinVar:

ClinVar aggregate classification (germline): Pathogenic/Likely pathogenic. Review status: criteria provided, multiple submitters, no conflicts (2 of 4 stars). 3 submissions from 3 submitters: Pathogenic (2); Likely pathogenic (1). Last evaluated 2026-08-14.

Conditions:
Hypokalemic periodic paralysis, type 1. Also called: Hypokalemic Periodic Paralysis Type 1 (AD); HypoPP. Identifiers: Orphanet 681, MedGen C3714580, MONDO:0042979, OMIM 170400.
Congenital myopathy 18. Also called: DIHYDROPYRIDINE RECEPTOR CONGENITAL MYOPATHY; DHPR CONGENITAL MYOPATHY; Myopathy, congenital, due to dihydropyridine receptor defect. Identifiers: MedGen C5830283, MONDO:0859514, OMIM 620246.
Malignant hyperthermia, susceptibility to, 5 (MHS5). Also called: CACNA1S-Related Malignant Hyperthermia Susceptibility. Identifiers: Orphanet 423, MedGen C1866077, MONDO:0011163, OMIM 601887.
Thyrotoxic periodic paralysis, susceptibility to, 1 (TTPP1). Identifiers: Orphanet 79102, MedGen C2749982, MONDO:0008570, OMIM 188580.

Allele frequency attached by ClinVar (database versions not stated): gnomAD exomes below 0.00001.

Submissions (3):

GeneDx
Classification: Pathogenic. Last evaluated: 2026-08-14. Review status: criteria provided, single submitter. Criteria: GeneDx Variant Classification Process June 2021. Collection method: clinical testing. Allele origin: germline.
Comment: Reported in a pediatric patient as an ACMG secondary finding in published literature; no proband specific clinical information was provided (PMID: 39096151); Frameshift variant predicted to result in protein truncation or nonsense mediated decay in a gene for which loss of function is a known mechanism of disease; Not observed at significant frequency in large population cohorts (gnomAD); This variant is associated with the following publications: (PMID: 39096151)

Labcorp Genetics (formerly Invitae), Labcorp
Classification: Pathogenic for Hypokalemic periodic paralysis, type 1; Malignant hyperthermia, susceptibility to, 5. Last evaluated: 2024-11-12. Review status: criteria provided, single submitter. Criteria: Invitae Variant Classification Sherloc (09022015). Collection method: clinical testing. Allele origin: germline.
Comment: This sequence change creates a premature translational stop signal (p.Glu1348Argfs*76) in the CACNA1S gene. It is expected to result in an absent or disrupted protein product. Loss-of-function variants in CACNA1S are known to be pathogenic (PMID: 26247046, 28012042). This variant is not present in population databases (gnomAD no frequency). This variant has not been reported in the literature in individuals affected with CACNA1S-related conditions. ClinVar contains an entry for this variant (Variation ID: 523972). For these reasons, this variant has been classified as Pathogenic.

Fulgent Genetics
Classification: Likely pathogenic for Hypokalemic periodic paralysis, type 1; Thyrotoxic periodic paralysis, susceptibility to, 1; Malignant hyperthermia, susceptibility to, 5; Congenital myopathy 18. Last evaluated: 2024-02-10. Review status: criteria provided, single submitter. Criteria: ACMG Guidelines, 2015. Collection method: clinical testing. Allele origin: germline.

Literature cited by the submitters: PubMed 26247046 (cited by Labcorp Genetics (formerly Invitae), Labcorp); PubMed 28012042 (cited by Labcorp Genetics (formerly Invitae), Labcorp).

NM_000069.3(CACNA1S):c.4038del (p.Glu1348fs)

Gene: CACNA1S (calcium voltage-gated channel subunit alpha1 S; minus strand). Cytogenetic location: 1q32.1.
Variant type: Deletion.
Coding change: c.4038del on transcript NM_000069.3 (MANE Select); coding-DNA position 4038, one base deleted (A; older notation c.4038delA).
Protein change: p.Glu1348fs; shifts the reading frame from glutamic acid 1348.
Molecular consequence: frameshift variant.
Genome position (GRCh38, 1-based): chr1:201,051,059, T deleted on the plus strand (A on the coding strand, the reverse complement: CACNA1S is on the minus strand). VCF-style (leftmost placement, unchanged base first): chr1-201051058-CT-C. GRCh37 (hg19) VCF-style: chr1-201020186-CT-C.
Other names: c.4038delA (NM_000069.2); short protein forms E1348fs.
Identifiers: ClinVar variation 523972 (VCV000523972.8), dbSNP rs1553248947, ClinGen allele CA658795583.
Genomic context (GRCh38, chr1:201,051,058, plus strand): 5'-GCATGTAGAAGCTGATGAAGTAGTAGTATGCAAAGTTGGTGCCACATGTGTACTCCTCCC[CT>C]GGGGCATAGTCCGACTCTGGGTCACACAGCTTCCCATAGCTGCAGGCCAGTAGGATCTCC-3'